The following is an entry in ClinVar:

ClinVar aggregate classification (germline): Conflicting classifications of pathogenicity. Review status: criteria provided, conflicting classifications (1 of 4 stars). 4 submissions from 4 submitters: Likely pathogenic (1); Benign (1); Likely benign (2). Last evaluated 2025-12-01.

Conditions:
Aortic aneurysm, familial thoracic 7 (AAT7). Also called: AORTIC DISSECTION, FAMILIAL, WITH OR WITHOUT AORTIC ANEURYSM. Identifiers: MedGen C3151077, MONDO:0013418, OMIM 613780.
Familial thoracic aortic aneurysm and aortic dissection (TAAD). Also called: Thoracic aortic aneurysms and dissections. Identifiers: Orphanet 91387, MedGen C4707243, MONDO:0019625.

Allele frequency attached by ClinVar (database versions not stated): TOPMed 0.00024; 1000 Genomes Project 30x 0.00219; 1000 Genomes Project 0.00240.
gnomAD v4.1: 183 of 1,614,050 alleles (0.011%); highest among the groups gnomAD compares: East Asian, 0.27%; no homozygotes.

Submissions (4):

Labcorp Genetics (formerly Invitae), Labcorp
Classification: Benign for Aortic aneurysm, familial thoracic 7. Last evaluated: 2025-12-01. Review status: criteria provided, single submitter. Criteria: Invitae Variant Classification Sherloc (09022015). Collection method: clinical testing. Allele origin: germline.

Ambry Genetics
Classification: Likely benign for Familial thoracic aortic aneurysm and aortic dissection. Last evaluated: 2018-05-03. Review status: criteria provided, single submitter. Criteria: Ambry Variant Classification Scheme 2023. Collection method: clinical testing. Allele origin: germline.

Illumina Laboratory Services, Illumina
Classification: Likely benign for Aortic aneurysm, familial thoracic 7. Last evaluated: 2018-01-12. Review status: criteria provided, single submitter. Criteria: ICSL Variant Classification Criteria 13 December 2019. Collection method: clinical testing. Allele origin: germline.
Comment: This variant was observed in the ICSL laboratory as part of a predisposition screen in an ostensibly healthy population. It had not been previously curated by ICSL or reported in the Human Gene Mutation Database (HGMD: prior to June 1st, 2018), and was therefore a candidate for classification through an automated scoring system. Utilizing variant allele frequency, disease prevalence and penetrance estimates, and inheritance mode, an automated score was calculated to assess if this variant is too frequent to cause the disease. Based on the score and internal cut-off values, a variant classified as likely benign is not then subjected to further curation. The score for this variant resulted in a classification of likely benign for this disease.

UCLA Clinical Genomics Center, UCLA
Classification: Likely pathogenic for Aortic aneurysm, familial thoracic 7. Last evaluated: 2013-01-29. Review status: criteria provided, single submitter. Criteria: Lee et al. (JAMA. 2014). Collection method: clinical testing. Allele origin: unknown. Inheritance: Autosomal dominant inheritance. Affected: yes. Study: CES.

NM_053025.4(MYLK):c.2149G>T (p.Asp717Tyr)

Gene: MYLK (myosin light chain kinase; minus strand). Cytogenetic location: 3q21.1.
Variant type: single nucleotide variant.
Coding change: c.2149G>T on transcript NM_053025.4 (MANE Select); coding-DNA position 2149, G replaced by T.
Protein change: p.Asp717Tyr; replaces aspartic acid 717 with tyrosine.
Molecular consequence: missense variant.
Genome position (GRCh38, 1-based): chr3:123,707,995, C>A on the plus strand (G>T on the coding strand, the complement: MYLK is on the minus strand). VCF-style: chr3-123707995-C-A. GRCh37 (hg19) VCF-style: chr3-123426842-C-A.
Other names: c.1621G>T, p.Asp541Tyr (NM_001321309.2); c.1942G>T, p.Asp648Tyr (NM_053026.4, NM_053028.4); c.2149G>T, p.Asp717Tyr (NM_053027.4); short protein forms D717Y, D648Y, D541Y.
Identifiers: ClinVar variation 216969 (VCV000216969.22), dbSNP rs150936840, ClinGen allele CA068222.
Genomic context (GRCh38, chr3:123,707,995, plus strand): 5'-TCTGGCCCAGGGAGGCTGTCACTGAGCGAGGCTTACTGATGAACCAGGGCTGGGTGCCAT[C>A]GTGAGGCTCTGGAAATTGGCAAAGGGCAGAGCTAAACAGGGATGTCCCTCAGCAGGCAGT-3'
Protein context (NP_444253.3, residues 707-727): QAVLTVQEPH[Asp717Tyr]GTQPWFISKP